The following is an entry in ClinVar:

NM_014712.3(SETD1A):c.726C>T (p.Pro242=)

Gene: SETD1A (SET domain containing 1A, histone lysine methyltransferase; plus strand). Cytogenetic location: 16p11.2.
Variant type: single nucleotide variant.
Coding change: c.726C>T on transcript NM_014712.3 (MANE Select); coding-DNA position 726, C replaced by T.
Protein change: p.Pro242=; no amino-acid change (proline 242 retained).
Molecular consequence: synonymous variant.
Genome position (GRCh38, 1-based): chr16:30,964,180, C>T. VCF-style: chr16-30964180-C-T. GRCh37 (hg19) VCF-style: chr16-30975501-C-T.
Identifiers: ClinVar variation 782787 (VCV000782787.32), dbSNP rs61744415, ClinGen allele CA8016480.
Genomic context (GRCh38, chr16:30,964,180, plus strand): 5'-TGACACAGCTGCCTACCCAGCAGGCACCACTGCGGTGGGCACTCCTGGCAACGGCACCCC[C>T]TGCTCCCAGGACACAAGCTTCTCCAGCAGCCGACAAGATACCCCATCTTCCTTTGGCCAG-3'
Protein context (NP_055527.1, residues 232-252): TAVGTPGNGT[Pro242=]CSQDTSFSSS

ClinVar aggregate classification (germline): Benign/Likely benign. Review status: criteria provided, multiple submitters, no conflicts (2 of 4 stars). 4 submissions from 4 submitters: Benign (2); Likely benign (2). Last evaluated 2026-07-01.

Conditions:
Epilepsy, early-onset, with or without developmental delay. Identifiers: MedGen C5882670, MONDO:0030005, OMIM 618832.
Neurodevelopmental disorder with speech impairment and dysmorphic facies. Identifiers: MedGen C5436699, MONDO:0033630, OMIM 619056.

Allele frequency attached by ClinVar (database versions not stated): 1000 Genomes Project 0.00220; 1000 Genomes Project 30x 0.00250; TOPMed 0.00358; gnomAD 0.00428; gnomAD exomes 0.00449 and 0.00482; ESP Exome Variant Server 0.00454; ExAC 0.00465.
gnomAD v4.1: 7,592 of 1,614,164 alleles (0.47%); highest among the groups gnomAD compares: Middle Eastern, 1.2%; 29 homozygotes.

Submissions (4):

CeGaT Center for Human Genetics Tuebingen
Classification: Likely benign. Last evaluated: 2026-07-01. Review status: criteria provided, single submitter. Criteria: CeGaT Center For Human Genetics Tuebingen Variant Classification Criteria Version 2. Collection method: clinical testing. Allele origin: germline. Affected: yes. Observed: 40 variant alleles.
Comment: SETD1A: BP4, BP7, BS2

Fulgent Genetics
Classification: Likely benign for Epilepsy, early-onset, with or without developmental delay; Neurodevelopmental disorder with speech impairment and dysmorphic facies. Last evaluated: 2022-01-13. Review status: criteria provided, single submitter. Criteria: ACMG Guidelines, 2015. Collection method: clinical testing. Allele origin: unknown.

Labcorp Genetics (formerly Invitae), Labcorp
Classification: Benign. Last evaluated: 2019-12-31. Review status: criteria provided, single submitter. Criteria: Invitae Variant Classification Sherloc (09022015). Collection method: clinical testing. Allele origin: germline.

Breakthrough Genomics
Classification: Benign. Review status: criteria provided, single submitter. Criteria: ACMG Guidelines, 2015. Collection method: not provided. Allele origin: germline. Inheritance: Autosomal dominant inheritance. Affected: yes.